The following is an entry in ClinVar:

ClinVar aggregate classification (germline): Uncertain significance (1 of 4 stars; one submission).

Conditions:
Mucolipidosis type II. Also called: Mucolipidosis II Alpha/Beta; Mucolipidosis 2; ML 2; Inclusion cell disease; Leroy Disease; N-acetylglucosamine 1phosphotransferase deficiency. Identifiers: Orphanet 576, MedGen C2673377, MONDO:0009650, OMIM 252500.
Pseudo-Hurler polydystrophy. Also called: MUCOLIPIDOSIS IIIA; Type III Mucolipidosis; ML III; ML III ALPHA/BETA; ML IIIA; Mucolipidosis III Alpha/Beta. Identifiers: Orphanet 423461, Orphanet 577, MedGen C0033788, MONDO:0018931, OMIM 252600.

gnomAD v4.1: 1 of 1,613,174 alleles (0.000062%); highest among the groups gnomAD compares: Non-Finnish European, 0.000085%; no homozygotes.

Submission:

Juno Genomics, Hangzhou Juno Genomics, Inc
Classification: Uncertain significance for Mucolipidosis type II; Pseudo-Hurler polydystrophy. Review status: criteria provided, single submitter. Criteria: ACMG Guidelines, 2015. Collection method: clinical testing. Allele origin: germline.
Comment: Absent from controls (or at extremely low frequency if recessive) in Genome Aggregation Database.;Multiple lines of computational evidence support a deleterious effect on the gene or gene product.

NM_024312.5(GNPTAB):c.1012A>G (p.Arg338Gly)

Gene: GNPTAB (N-acetylglucosamine-1-phosphate transferase subunits alpha and beta; minus strand). Cytogenetic location: 12q23.2.
Variant type: single nucleotide variant.
Coding change: c.1012A>G on transcript NM_024312.5 (MANE Select); coding-DNA position 1012, A replaced by G.
Protein change: p.Arg338Gly; replaces arginine 338 with glycine.
Molecular consequence: missense variant.
Genome position (GRCh38, 1-based): chr12:101,770,507, T>C on the plus strand (A>G on the coding strand, the complement: GNPTAB is on the minus strand). VCF-style: chr12-101770507-T-C. GRCh37 (hg19) VCF-style: chr12-102164285-T-C.
Other names: short protein forms R338G.
Identifiers: ClinVar variation 5005020 (VCV005005020.2).
Genomic context (GRCh38, chr12:101,770,507, plus strand): 5'-GCCAGGATGGAATCTGCCCGTTGGTGACAATGAAAATATTCCGAACCCATGGTGCATGCC[T>C]CTCGATAGATCGCAATGAGTACCTCAGTTCTTCGTTATCTTCAAAACGACTGGCAGAGAT-3'
Protein context (NP_077288.2, residues 328-348): ELRYSLRSIE[Arg338Gly]HAPWVRNIFI